The following is an entry in ClinVar:

NM_005876.5(SPEG):c.8501C>T (p.Ser2834Leu)

Genes: ASIC4-AS1 (ASIC4 antisense RNA 1; minus strand), SPEG (striated muscle enriched protein kinase; plus strand). Cytogenetic location: 2q35.
Variant type: single nucleotide variant.
Coding change: c.8501C>T on transcript NM_005876.5 (MANE Select); coding-DNA position 8501, C replaced by T.
Protein change: p.Ser2834Leu; replaces serine 2834 with leucine.
Molecular consequence: missense variant.
Genome position (GRCh38, 1-based): chr2:219,489,519, C>T. VCF-style: chr2-219489519-C-T. GRCh37 (hg19) VCF-style: chr2-220354241-C-T.
Other names: c.8501C>T (NM_005876.4); short protein forms S2834L.
Identifiers: ClinVar variation 1418922 (VCV001418922.6), dbSNP rs368059831, ClinGen allele CA2127505.

ClinVar aggregate classification (germline): Uncertain significance. Review status: criteria provided, multiple submitters, no conflicts (2 of 4 stars). 2 submissions from 2 submitters: Uncertain significance (2). Last evaluated 2025-10-02.

Conditions:
Inborn genetic diseases. Identifiers: MedGen C0950123, MeSH D030342.

Allele frequency attached by ClinVar (database versions not stated): ESP Exome Variant Server 0.00008; gnomAD 0.00009 and 0.00010; TOPMed 0.00014.

Submissions (2):

Labcorp Genetics (formerly Invitae), Labcorp
Classification: Uncertain significance. Last evaluated: 2025-10-02. Review status: criteria provided, single submitter. Criteria: Invitae Variant Classification Sherloc (09022015). Collection method: clinical testing. Allele origin: germline.
Comment: This sequence change replaces serine, which is neutral and polar, with leucine, which is neutral and non-polar, at codon 2834 of the SPEG protein (p.Ser2834Leu). This variant is present in population databases (rs368059831, gnomAD 0.02%). This variant has not been reported in the literature in individuals affected with SPEG-related conditions. ClinVar contains an entry for this variant (Variation ID: 1418922). An algorithm developed to predict the effect of missense changes on protein structure and function (PolyPhen-2) suggests that this variant is likely to be tolerated. In summary, the available evidence is currently insufficient to determine the role of this variant in disease. Therefore, it has been classified as a Variant of Uncertain Significance.

Ambry Genetics
Classification: Uncertain significance for Inborn genetic diseases. Last evaluated: 2023-02-23. Review status: criteria provided, single submitter. Criteria: Ambry Variant Classification Scheme 2023. Collection method: clinical testing. Allele origin: germline.